The following is an entry in ClinVar:

ClinVar aggregate classification (germline): Uncertain significance (1 of 4 stars; one submission).

Allele frequency attached by ClinVar (database versions not stated): ExAC below 0.00001; gnomAD exomes below 0.00001.
gnomAD v4.1: 5 of 1,207,608 alleles (0.00041%); highest among the groups gnomAD compares: Non-Finnish European, 0.00056%; no homozygotes.

Submission:

GeneDx
Classification: Uncertain significance. Last evaluated: 2016-09-02. Review status: criteria provided, single submitter. Criteria: GeneDx Variant Classification (06012015). Collection method: clinical testing. Allele origin: germline. Affected: yes.
Comment: The R46C variant in the CNKSR2 gene has not been reported previously as a pathogenic variant, nor as a benign variant, to our knowledge. The R46C variant was not observed in approximately 6500 individuals of European and African American ancestry in the NHLBI Exome Sequencing Project, indicating it is not a common benign variant in these populations. The R46C variant is a non-conservative amino acid substitution, which is likely to impact secondary protein structure as these residues differ in polarity, charge, size and/or other properties. This substitution occurs at a position that is conserved across species. In silico analysis predicts this variant is probably damaging to the protein structure/function. We interpret R46C as a variant of uncertain significance,

NM_014927.5(CNKSR2):c.136C>T (p.Arg46Cys)

Gene: CNKSR2 (connector enhancer of kinase suppressor of Ras 2; plus strand). Cytogenetic location: Xp22.12.
Variant type: single nucleotide variant.
Coding change: c.136C>T on transcript NM_014927.5 (MANE Select); coding-DNA position 136, C replaced by T.
Protein change: p.Arg46Cys; replaces arginine 46 with cysteine.
Molecular consequence: missense variant.
Genome position (GRCh38, 1-based): chrX:21,426,568, C>T. VCF-style: chrX-21426568-C-T. GRCh37 (hg19) VCF-style: chrX-21444686-C-T.
Other names: c.136C>T, p.Arg46Cys (NM_001168647.3, NM_001168648.3, NM_001168649.3 and 4 more transcripts); short protein forms R46C.
Identifiers: ClinVar variation 422104 (VCV000422104.2), dbSNP rs756206673, ClinGen allele CA10366393.